The following is an entry in ClinVar:

NM_024675.4(PALB2):c.3303_3304insT (p.Ser1102Ter)

Gene: PALB2 (partner and localizer of BRCA2; minus strand). Cytogenetic location: 16p12.2.
Variant type: Insertion.
Coding change: c.3303_3304insT on transcript NM_024675.4 (MANE Select); coding-DNA positions 3303 to 3304, T inserted.
Protein change: p.Ser1102Ter; replaces serine 1102 with a stop codon.
Molecular consequence: nonsense. On other transcripts: intron variant (8).
Genome position: GRCh38 VCF-style: chr16-23607910-T-TA. GRCh37 (hg19) VCF-style: chr16-23619231-T-TA.
Other names: c.3243_3244insT, p.Ser1082Ter (NM_001407296.1); c.3231_3232insT, p.Ser1078Ter (NM_001407297.1); c.3141_3142insT, p.Ser1048Ter (NM_001407298.1); c.3024_3025insT, p.Ser1009Ter (NM_001407300.1); c.2418_2419insT, p.Ser807Ter (NM_001407304.1, NM_001407305.1, NM_001407306.1); c.2256_2257insT, p.Ser753Ter (NM_001407307.1); c.1515_1516insT, p.Ser506Ter (NM_001407312.1); c.837_838insT, p.Ser280Ter (NM_001407314.1); and 6 more; short protein forms S1009*, S1048*, S1078*, S1082*, S1102*, S280*, S506*, S753*.
Identifiers: ClinVar variation 5019098 (VCV005019098.2).
Genomic context (GRCh38, chr16:23,607,910, plus strand): 5'-TTATGCACACTTGCCTGCCAGCCTGCCCTGGAGGAAGACAGTACAGCATCACACCCACGC[T>TA]GAGAGTCGTCTTAGGGTTAATCACAATGAGCTGAAACACAGGGCTTCGCAACGACTCACT-3'

ClinVar aggregate classification (germline): Likely pathogenic (1 of 4 stars; one submission).

Conditions:
Breast-ovarian cancer, familial, susceptibility to, 5 (BROVCA5). Identifiers: MedGen C5830615, MONDO:0957530, OMIM 620442.

Submission:

Juno Genomics, Hangzhou Juno Genomics, Inc
Classification: Likely pathogenic for Breast-ovarian cancer, familial, susceptibility to, 5. Review status: criteria provided, single submitter. Criteria: ACMG Guidelines, 2015. Collection method: clinical testing. Allele origin: germline.
Comment: Absent from controls (or at extremely low frequency if recessive) in Genome Aggregation Database.;Null variant in a gene where loss of function (LOF) is a known mechanism of disease.